The following is an entry in ClinVar:

ClinVar aggregate classification (germline): Likely benign. Review status: criteria provided, single submitter (1 of 4 stars). 2 submissions from 2 submitters: Likely benign (1). 1 of the submissions does not count toward it. Last evaluated 2025-12-28.

Conditions:
SPEG-related disorder. Also called: SPEG-related condition.

Allele frequency attached by ClinVar (database versions not stated): gnomAD 0.00006; TOPMed 0.00017.
gnomAD v4.1: 50 of 1,611,576 alleles (0.0031%); highest among the groups gnomAD compares: Admixed American, 0.074%; no homozygotes.

Submissions (2):

Labcorp Genetics (formerly Invitae), Labcorp
Classification: Likely benign. Last evaluated: 2025-12-28. Review status: criteria provided, single submitter. Criteria: Invitae Variant Classification Sherloc (09022015). Collection method: clinical testing. Allele origin: germline.

PreventionGenetics, part of Exact Sciences
Classification: Likely benign for SPEG-related condition. Last evaluated: 2019-08-15. Review status: no assertion criteria provided. Collection method: clinical testing. Allele origin: germline. Not counted in ClinVar's aggregate classification.
Comment: This variant is classified as likely benign based on ACMG/AMP sequence variant interpretation guidelines (Richards et al. 2015 PMID: 25741868, with internal and published modifications).

NM_005876.5(SPEG):c.2121G>A (p.Ser707=)

Gene: SPEG (striated muscle enriched protein kinase; plus strand). Cytogenetic location: 2q35.
Variant type: single nucleotide variant.
Coding change: c.2121G>A on transcript NM_005876.5 (MANE Select); coding-DNA position 2121, G replaced by A.
Protein change: p.Ser707=; no amino-acid change (serine 707 retained).
Molecular consequence: synonymous variant.
Genome position (GRCh38, 1-based): chr2:219,451,143, G>A. VCF-style: chr2-219451143-G-A. GRCh37 (hg19) VCF-style: chr2-220315865-G-A.
Identifiers: ClinVar variation 788698 (VCV000788698.10), dbSNP rs763107502, ClinGen allele CA431290662.
Genomic context (GRCh38, chr2:219,451,143, plus strand): 5'-GTCATCCCTGCAGGGATCATGGCCCCTTACCCCGTTATTCCTGTGTCCGGCAGAGTCTTC[G>A]GATGACTCCTACGTGTCCGCTGGAGAAGAGCCCCTAGAGGCCCCTGTGTTTGAGATCCCC-3'
Protein context (NP_005867.3, residues 697-717): ARPTSPELES[Ser707=]DDSYVSAGEE